The following is an entry in ClinVar:

NM_144672.4(OTOA):c.680C>A (p.Ser227Tyr)

Gene: OTOA (otoancorin). Cytogenetic location: 16p12.2.
Variant type: single nucleotide variant.
Coding change: c.680C>A on transcript NM_144672.4 (MANE Select); coding-DNA position 680, C replaced by A.
Protein change: p.Ser227Tyr; replaces serine 227 with tyrosine.
Molecular consequence: missense variant.
Genome position (GRCh38, 1-based): chr16:21,691,628, C>A. VCF-style: chr16-21691628-C-A. GRCh37 (hg19) VCF-style: chr16-21702949-C-A.
Other names: c.443C>A, p.Ser148Tyr (NM_001161683.2); short protein forms S148Y, S227Y.
Identifiers: ClinVar variation 985425 (VCV000985425.8), dbSNP rs150595232, ClinGen allele CA7952381.

ClinVar aggregate classification (germline): Uncertain significance. Review status: criteria provided, multiple submitters, no conflicts (2 of 4 stars). 4 submissions from 4 submitters: Uncertain significance (4). Last evaluated 2025-11-27.

Conditions:
Monogenic hearing loss.
Inborn genetic diseases. Identifiers: MedGen C0950123, MeSH D030342.

Allele frequency attached by ClinVar (database versions not stated): ExAC 0.00003; gnomAD exomes 0.00003 and 0.00006; gnomAD 0.00004; TOPMed 0.00004; ESP Exome Variant Server 0.00008.
gnomAD v4.1: 86 of 1,613,860 alleles (0.0053%); highest among the groups gnomAD compares: Non-Finnish European, 0.007%; no homozygotes.

Submissions (4):

Genetics Laboratory, Great Ormond Street Hospital NHS Foundation Trust, North Thames Genomic Laboratory Hub
Classification: Uncertain significance for Monogenic hearing loss. Last evaluated: 2025-11-27. Review status: criteria provided, single submitter. Criteria: ACGS Best Practice Guidelines for Variant Classification in Rare Disease 2024 v1.2. Collection method: clinical testing. Allele origin: germline. Affected: yes.
Comment: PM2_moderate, BP4_supporting, PM3_moderate

GeneDx
Classification: Uncertain significance. Last evaluated: 2025-08-14. Review status: criteria provided, single submitter. Criteria: GeneDx Variant Classification Process June 2021. Collection method: clinical testing. Allele origin: germline. Affected: yes.
Comment: In silico analysis suggests that this missense variant does not alter protein structure/function; Has not been previously published as pathogenic or benign to our knowledge; Not observed at significant frequency in large population cohorts (gnomAD)

Labcorp Genetics (formerly Invitae), Labcorp
Classification: Uncertain significance. Last evaluated: 2022-02-06. Review status: criteria provided, single submitter. Criteria: Invitae Variant Classification Sherloc (09022015). Collection method: clinical testing. Allele origin: germline.
Comment: This sequence change replaces serine, which is neutral and polar, with tyrosine, which is neutral and polar, at codon 227 of the OTOA protein (p.Ser227Tyr). This variant is present in population databases (rs150595232, gnomAD 0.006%). This variant has not been reported in the literature in individuals affected with OTOA-related conditions. ClinVar contains an entry for this variant (Variation ID: 985425). Algorithms developed to predict the effect of missense changes on protein structure and function are either unavailable or do not agree on the potential impact of this missense change (SIFT: "Deleterious"; PolyPhen-2: "Possibly Damaging"; Align-GVGD: "Class C15"). In summary, the available evidence is currently insufficient to determine the role of this variant in disease. Therefore, it has been classified as a Variant of Uncertain Significance.

Ambry Genetics
Classification: Uncertain significance for Inborn genetic diseases. Last evaluated: 2019-08-13. Review status: criteria provided, single submitter. Criteria: Ambry exome assertion method (8-5-2015). Collection method: clinical testing. Allele origin: germline. Affected: yes. Observed: 1 variant allele.